The following is an entry in ClinVar:

ClinVar aggregate classification (germline): Uncertain significance (1 of 4 stars; one submission).

Conditions:
Situs inversus. Also called: Situs inversus totalis. Identifiers: Orphanet 101063, MedGen C4551493, MONDO:0010029, HP:0001696.

Allele frequency attached by ClinVar (database versions not stated): TOPMed 0.00004; 1000 Genomes Project 30x 0.00016; 1000 Genomes Project 0.00020.
gnomAD v4.1: 69 of 1,614,010 alleles (0.0043%); highest among the groups gnomAD compares: East Asian, 0.036%; no homozygotes.

Submission:

Labcorp Genetics (formerly Invitae), Labcorp
Classification: Uncertain significance for Situs inversus. Last evaluated: 2022-02-05. Review status: criteria provided, single submitter. Criteria: Invitae Variant Classification Sherloc (09022015). Collection method: clinical testing. Allele origin: germline.
Comment: In summary, the available evidence is currently insufficient to determine the role of this variant in disease. Therefore, it has been classified as a Variant of Uncertain Significance. Algorithms developed to predict the effect of missense changes on protein structure and function are either unavailable or do not agree on the potential impact of this missense change (SIFT: "Deleterious"; PolyPhen-2: "Benign"; Align-GVGD: "Class C15"). ClinVar contains an entry for this variant (Variation ID: 574037). This variant has not been reported in the literature in individuals affected with CFAP52-related conditions. This variant is present in population databases (rs552119987, gnomAD 0.06%). This sequence change replaces glycine, which is neutral and non-polar, with aspartic acid, which is acidic and polar, at codon 542 of the CFAP52 protein (p.Gly542Asp).

NM_145054.5(CFAP52):c.1625G>A (p.Gly542Asp)

Gene: CFAP52 (cilia and flagella associated protein 52; plus strand). Cytogenetic location: 17p13.1.
Variant type: single nucleotide variant.
Coding change: c.1625G>A on transcript NM_145054.5 (MANE Select); coding-DNA position 1625, G replaced by A.
Protein change: p.Gly542Asp; replaces glycine 542 with aspartic acid.
Molecular consequence: missense variant.
Genome position (GRCh38, 1-based): chr17:9,641,773, G>A. VCF-style: chr17-9641773-G-A. GRCh37 (hg19) VCF-style: chr17-9545090-G-A.
Other names: c.1421G>A, p.Gly474Asp (NM_001080556.2); short protein forms G542D, G474D.
Identifiers: ClinVar variation 574037 (VCV000574037.9), dbSNP rs552119987, ClinGen allele CA8382298.
Genomic context (GRCh38, chr17:9,641,773, plus strand): 5'-CTGAATTCCAGATTGCTTACTGGGAAGTATTTGATGGGACAGTAATCAGAGAATTGGAAG[G>A]TTCCCTGTCTGGGTCGATAAATGGCATGGATATCACACAGGAAGGGGTGCACTTTGTCAC-3'
Protein context (NP_659491.4, residues 532-552): FDGTVIRELE[Gly542Asp]SLSGSINGMD